The following is an entry in ClinVar:

NM_001103.4(ACTN2):c.464A>C (p.Glu155Ala)

Gene: ACTN2 (actinin alpha 2; plus strand). Cytogenetic location: 1q43.
Variant type: single nucleotide variant.
Coding change: c.464A>C on transcript NM_001103.4 (MANE Select); coding-DNA position 464, A replaced by C.
Protein change: p.Glu155Ala; replaces glutamic acid 155 with alanine.
Molecular consequence: missense variant. On other transcripts: 5 prime UTR variant (1).
Genome position (GRCh38, 1-based): chr1:236,725,948, A>C. VCF-style: chr1-236725948-A-C. GRCh37 (hg19) VCF-style: chr1-236889248-A-C.
Other names: c.464A>C, p.Glu155Ala (NM_001278343.2); c.-358A>C (NM_001278344.2); short protein forms E155A.
Identifiers: ClinVar variation 948474 (VCV000948474.10), dbSNP rs1658537536, ClinGen allele CA345374555.

ClinVar aggregate classification (germline): Uncertain significance (1 of 4 stars; one submission).

Conditions:
Primary familial hypertrophic cardiomyopathy (HCM). Identifiers: Orphanet 99739, MedGen C0949658, MeSH D024741, MONDO:0024573. Inheritance: Various modes of inheritance.
Dilated cardiomyopathy 1AA (CMD1AA). Also called: Cardiomyopathy, dilated, 1AA, with or without LVNC; CARDIOMYOPATHY, DILATED, 1AA, WITH OR WITHOUT LEFT VENTRICULAR NONCOMPACTION; CARDIOMYOPATHY, FAMILIAL HYPERTROPHIC, 23, WITH OR WITHOUT LEFT VENTRICULAR NONCOMPACTION. Identifiers: Orphanet 154, MedGen C2677338, MONDO:0012808, OMIM 612158.

Submission:

Labcorp Genetics (formerly Invitae), Labcorp
Classification: Uncertain significance for Primary familial hypertrophic cardiomyopathy; Dilated cardiomyopathy 1AA. Last evaluated: 2019-05-30. Review status: criteria provided, single submitter. Criteria: Invitae Variant Classification Sherloc (09022015). Collection method: clinical testing. Allele origin: germline.
Comment: This sequence change replaces glutamic acid with alanine at codon 155 of the ACTN2 protein (p.Glu155Ala). The glutamic acid residue is highly conserved and there is a moderate physicochemical difference between glutamic acid and alanine. This variant is not present in population databases (ExAC no frequency). This variant has not been reported in the literature in individuals with ACTN2-related conditions. Algorithms developed to predict the effect of missense changes on protein structure and function (SIFT, PolyPhen-2, Align-GVGD) all suggest that this variant is likely to be disruptive, but these predictions have not been confirmed by published functional studies and their clinical significance is uncertain. In summary, the available evidence is currently insufficient to determine the role of this variant in disease. Therefore, it has been classified as a Variant of Uncertain Significance.